The following is an entry in ClinVar:

NM_201384.3(PLEC):c.2740-3C>A

Gene: PLEC (plectin; minus strand). Cytogenetic location: 8q24.3.
Variant type: single nucleotide variant.
Coding change: c.2740-3C>A on transcript NM_201384.3 (MANE Select); 3 bases into the intron before coding-DNA position 2740, C replaced by A.
Molecular consequence: intron variant.
Genome position (GRCh38, 1-based): chr8:143,929,832, G>T on the plus strand (C>A on the coding strand, the complement: PLEC is on the minus strand). VCF-style: chr8-143929832-G-T. GRCh37 (hg19) VCF-style: chr8-145004000-G-T.
Other names: c.2821-3C>A (NM_000445.5, NM_000445.4); c.2698-3C>A (NM_201378.4); c.2674-3C>A (NM_201379.3); c.3151-3C>A (NM_201380.4); c.2644-3C>A (NM_201381.3); c.2740-3C>A (NM_201382.4); c.2752-3C>A (NM_201383.3).
Identifiers: ClinVar variation 1000687 (VCV001000687.7), dbSNP rs782178702, ClinGen allele CA4927352.

ClinVar aggregate classification (germline): Uncertain significance. Review status: criteria provided, multiple submitters, no conflicts (2 of 4 stars). 3 submissions from 3 submitters: Uncertain significance (3). Last evaluated 2025-12-22.

Conditions:
PLEC-related disorder. Also called: PLEC-related disorders; PLEC-related condition.
Autosomal recessive limb-girdle muscular dystrophy. Identifiers: Orphanet 102015, MedGen C2931907, MONDO:0015152.
Epidermolysis bullosa simplex, Ogna type (EBS5A). Also called: Pidermolysis bullosa simplex 5A, Ogna type; EPIDERMOLYSIS BULLOSA SIMPLEX 5A, OGNA TYPE. Identifiers: Orphanet 79401, MedGen C0432317, MONDO:0007555, OMIM 131950.
Epidermolysis bullosa simplex 5B, with muscular dystrophy (EBS5B). Also called: Epidermolysis bullosa simplex with muscular dystrophy; EPIDERMOLYSIS BULLOSA SIMPLEX AND LIMB-GIRDLE MUSCULAR DYSTROPHY. Identifiers: Orphanet 257, MedGen C2931072, MONDO:0009181, OMIM 226670.
Epidermolysis bullosa simplex with nail dystrophy (EBS5D). Identifiers: MedGen C4225309, MONDO:0014661, OMIM 616487.
Autosomal recessive limb-girdle muscular dystrophy type 2Q (LGMDR17). Also called: MUSCULAR DYSTROPHY, LIMB-GIRDLE, AUTOSOMAL RECESSIVE 17. Identifiers: Orphanet 254361, MedGen C3150989, MONDO:0013390, OMIM 613723.
Epidermolysis bullosa simplex 5C, with pyloric atresia (EBS5C). Also called: PLEC-Related Epidermolysis Bullosa with Pyloric Atresia; Epidermolysis bullosa simplex with pyloric atresia; PLEC1-Related Epidermolysis Bullosa with Pyloric Atresia. Identifiers: Orphanet 158684, MedGen C2677349, MONDO:0012807, OMIM 612138.

Allele frequency attached by ClinVar (database versions not stated): ExAC 0.00006; TOPMed 0.00006.
gnomAD v4.1: 63 of 1,599,482 alleles (0.0039%); highest among the groups gnomAD compares: Non-Finnish European, 0.0041%; no homozygotes.

Submissions (3):

PreventionGenetics, part of Exact Sciences
Classification: Uncertain significance for PLEC-related condition. Last evaluated: 2025-12-22. Review status: criteria provided, single submitter. Criteria: ACMG Guidelines, 2015. Collection method: clinical testing. Allele origin: germline.
Comment: The PLEC c.2821-3C>A variant is predicted to interfere with splicing. To our knowledge, this variant has not been reported in the literature. This variant is reported in 0.039% of alleles in individuals of European (Finnish) descent in gnomAD. At this time, the clinical significance of this variant is uncertain due to the absence of conclusive functional and genetic evidence.

Labcorp Genetics (formerly Invitae), Labcorp
Classification: Uncertain significance for Autosomal recessive limb-girdle muscular dystrophy type 2Q; Epidermolysis bullosa simplex, Ogna type; Epidermolysis bullosa simplex with nail dystrophy; Epidermolysis bullosa simplex 5C, with pyloric atresia; Epidermolysis bullosa simplex 5B, with muscular dystrophy. Last evaluated: 2024-10-18. Review status: criteria provided, single submitter. Criteria: Invitae Variant Classification Sherloc (09022015). Collection method: clinical testing. Allele origin: germline.
Comment: This sequence change falls in intron 23 of the PLEC gene. It does not directly change the encoded amino acid sequence of the PLEC protein. It affects a nucleotide within the consensus splice site. This variant is present in population databases (rs782178702, gnomAD 0.02%). This variant has not been reported in the literature in individuals affected with PLEC-related conditions. ClinVar contains an entry for this variant (Variation ID: 1000687). Variants that disrupt the consensus splice site are a relatively common cause of aberrant splicing (PMID: 17576681, 9536098). Algorithms developed to predict the effect of sequence changes on RNA splicing suggest that this variant is not likely to affect RNA splicing. In summary, the available evidence is currently insufficient to determine the role of this variant in disease. Therefore, it has been classified as a Variant of Uncertain Significance.

Department of Pathology and Laboratory Medicine, Sinai Health System
Classification: Uncertain significance for autosomal recessive limb-girdle muscular dystrophy. Last evaluated: 2023-02-01. Review status: criteria provided, single submitter. Criteria: ACMG Guidelines, 2015. Collection method: research. Allele origin: germline.

Literature cited by the submitters: PubMed 17576681 (cited by Labcorp Genetics (formerly Invitae), Labcorp); PubMed 9536098 (cited by Labcorp Genetics (formerly Invitae), Labcorp).